The following is an entry in ClinVar:

ClinVar aggregate classification (germline): Likely benign (1 of 4 stars; one submission).

Submission:

CeGaT Center for Human Genetics Tuebingen
Classification: Likely benign. Last evaluated: 2024-10-01. Review status: criteria provided, single submitter. Criteria: CeGaT Center For Human Genetics Tuebingen Variant Classification Criteria Version 2. Collection method: clinical testing. Allele origin: germline. Affected: yes. Observed: 1 variant allele.
Comment: PDE6C: PM2:Supporting, BP4, BP7

NM_006204.4(PDE6C):c.1122A>G (p.Lys374=)

Gene: PDE6C (phosphodiesterase 6C; plus strand). Cytogenetic location: 10q23.33.
Variant type: single nucleotide variant.
Coding change: c.1122A>G on transcript NM_006204.4 (MANE Select); coding-DNA position 1122, A replaced by G.
Protein change: p.Lys374=; no amino-acid change (lysine 374 retained).
Molecular consequence: synonymous variant.
Genome position (GRCh38, 1-based): chr10:93,634,760, A>G. VCF-style: chr10-93634760-A-G. GRCh37 (hg19) VCF-style: chr10-95394517-A-G.
Identifiers: ClinVar variation 3388853 (VCV003388853.14).